The following is an entry in ClinVar:

NM_022124.6(CDH23):c.1288G>A (p.Asp430Asn)

Gene: CDH23 (cadherin related 23; plus strand). Cytogenetic location: 10q22.1.
Variant type: single nucleotide variant.
Coding change: c.1288G>A on transcript NM_022124.6 (MANE Select); coding-DNA position 1288, G replaced by A.
Protein change: p.Asp430Asn; replaces aspartic acid 430 with asparagine.
Molecular consequence: missense variant.
Genome position (GRCh38, 1-based): chr10:71,645,978, G>A. VCF-style: chr10-71645978-G-A. GRCh37 (hg19) VCF-style: chr10-73405735-G-A.
Other names: c.1288G>A, p.Asp430Asn (NM_001171930.2, NM_001171931.2, NM_052836.4); short protein forms D430N.
Identifiers: ClinVar variation 958298 (VCV000958298.7), dbSNP rs747452182, ClinGen allele CA5543753.

ClinVar aggregate classification (germline): Uncertain significance (1 of 4 stars; one submission).

Allele frequency attached by ClinVar (database versions not stated): ExAC 0.00001; gnomAD exomes 0.00001; TOPMed 0.00001.
gnomAD v4.1: 3 of 1,611,106 alleles (0.00019%); highest among the groups gnomAD compares: African/African-American, 0.004%; no homozygotes.

Submission:

Labcorp Genetics (formerly Invitae), Labcorp
Classification: Uncertain significance. Last evaluated: 2022-03-04. Review status: criteria provided, single submitter. Criteria: Invitae Variant Classification Sherloc (09022015). Collection method: clinical testing. Allele origin: germline.
Comment: This sequence change replaces aspartic acid, which is acidic and polar, with asparagine, which is neutral and polar, at codon 430 of the CDH23 protein (p.Asp430Asn). This variant is present in population databases (rs747452182, gnomAD 0.02%). This variant has not been reported in the literature in individuals affected with CDH23-related conditions. ClinVar contains an entry for this variant (Variation ID: 958298). Algorithms developed to predict the effect of missense changes on protein structure and function are either unavailable or do not agree on the potential impact of this missense change (SIFT: "Tolerated"; PolyPhen-2: "Not Available"; Align-GVGD: "Class C0"). In summary, the available evidence is currently insufficient to determine the role of this variant in disease. Therefore, it has been classified as a Variant of Uncertain Significance.